The following is an entry in ClinVar:

ClinVar aggregate classification (germline): Likely benign (0 of 4 stars; one submission).

Conditions:
LEP-related disorder. Also called: LEP-related condition.

Submission:

PreventionGenetics, part of Exact Sciences
Classification: Likely benign for LEP-related condition. Last evaluated: 2023-08-07. Review status: no assertion criteria provided. Collection method: clinical testing. Allele origin: germline.
Comment: This variant is classified as likely benign based on ACMG/AMP sequence variant interpretation guidelines (Richards et al. 2015 PMID: 25741868, with internal and published modifications).

NM_000230.3(LEP):c.282G>C (p.Val94=)

Gene: LEP (leptin; plus strand). Cytogenetic location: 7q32.1.
Variant type: single nucleotide variant.
Coding change: c.282G>C on transcript NM_000230.3 (MANE Select); coding-DNA position 282, G replaced by C.
Protein change: p.Val94=; no amino-acid change (valine 94 retained).
Molecular consequence: synonymous variant.
Genome position (GRCh38, 1-based): chr7:128,254,541, G>C. VCF-style: chr7-128254541-G-C. GRCh37 (hg19) VCF-style: chr7-127894594-G-C.
Identifiers: ClinVar variation 3349315 (VCV003349315.1).